The following is an entry in ClinVar:

NM_006593.4(TBR1):c.1064G>A (p.Arg355His)

Gene: TBR1 (T-box brain transcription factor 1; plus strand). Cytogenetic location: 2q24.2.
Variant type: single nucleotide variant.
Coding change: c.1064G>A on transcript NM_006593.4 (MANE Select); coding-DNA position 1064, G replaced by A.
Protein change: p.Arg355His; replaces arginine 355 with histidine.
Molecular consequence: missense variant.
Genome position (GRCh38, 1-based): chr2:161,418,986, G>A. VCF-style: chr2-161418986-G-A. GRCh37 (hg19) VCF-style: chr2-162275497-G-A.
Other names: short protein forms R355H.
Identifiers: ClinVar variation 3365647 (VCV003365647.1).

ClinVar aggregate classification (germline): Uncertain significance (1 of 4 stars; one submission).

Submission:

GeneDx
Classification: Uncertain significance. Last evaluated: 2024-04-17. Review status: criteria provided, single submitter. Criteria: GeneDx Variant Classification Process June 2021. Collection method: clinical testing. Allele origin: germline. Affected: yes.
Comment: Not observed at significant frequency in large population cohorts (gnomAD); In silico analysis indicates that this missense variant does not alter protein structure/function; Has not been previously published as pathogenic or benign to our knowledge